The following is an entry in ClinVar:

NM_001130082.3(PLXNB1):c.1776C>T (p.Asp592=)

Gene: PLXNB1 (plexin B1; minus strand). Cytogenetic location: 3p21.31.
Variant type: single nucleotide variant.
Coding change: c.1776C>T on transcript NM_001130082.3 (MANE Select); coding-DNA position 1776, C replaced by T.
Protein change: p.Asp592=; no amino-acid change (aspartic acid 592 retained).
Molecular consequence: synonymous variant.
Genome position (GRCh38, 1-based): chr3:48,421,262, G>A on the plus strand (C>T on the coding strand, the complement: PLXNB1 is on the minus strand). VCF-style: chr3-48421262-G-A. GRCh37 (hg19) VCF-style: chr3-48462671-G-A.
Other names: c.1776C>T, p.Asp592= (NM_002673.6).
Identifiers: ClinVar variation 3037970 (VCV003037970.2), dbSNP rs34087325, ClinGen allele CA2375024.
Genomic context (GRCh38, chr3:48,421,262, plus strand): 5'-CCAGGCTGGCCCATTCTCTCACCCACCGGCTCCTCTCGGCAGCACTGGGGCCTCACTAGG[G>A]TCTGGGGAGGGGCACATCACACCAGAACCAGTCAGCAGGGCAGGACTCTGATGTTCCCCA-3'
Protein context (NP_001123554.1, residues 582-602): TGSGVMCPSP[Asp592=]PSEAPVLPRG

ClinVar aggregate classification (germline): Benign (0 of 4 stars; one submission).

Conditions:
PLXNB1-related disorder. Also called: PLXNB1-related condition.

Allele frequency attached by ClinVar (database versions not stated): gnomAD 0.04872; 1000 Genomes Project 0.05072; 1000 Genomes Project 30x 0.05231; TOPMed 0.05622; ESP Exome Variant Server 0.05690.
gnomAD v4.1: 18,680 of 1,613,066 alleles (1.2%); highest among the groups gnomAD compares: African/African-American, 17%; 1,148 homozygotes.

Submission:

PreventionGenetics, part of Exact Sciences
Classification: Benign for PLXNB1-related condition. Last evaluated: 2019-10-07. Review status: no assertion criteria provided. Collection method: clinical testing. Allele origin: germline.
Comment: This variant is classified as benign based on ACMG/AMP sequence variant interpretation guidelines (Richards et al. 2015 PMID: 25741868, with internal and published modifications).